The following is an entry in ClinVar:

ClinVar aggregate classification (germline): Uncertain significance (1 of 4 stars; one submission).

Submission:

Ambry Genetics
Classification: Uncertain significance. Last evaluated: 2026-06-03. Review status: criteria provided, single submitter. Criteria: Ambry Variant Classification Scheme 2023. Collection method: clinical testing. Allele origin: germline.
Comment: The c.256A>G (p.I86V) alteration is located in exon 2 (coding exon 1) of the SLC10A3 gene. This alteration results from a A to G substitution at nucleotide position 256, causing the isoleucine (I) at amino acid position 86 to be replaced by a valine (V). Based on data from gnomAD, the G allele has an overall frequency of <0.001% (1/183367) total alleles studied. The highest observed frequency was 0.008% (1/13153) of African alleles. Based on insufficient or conflicting evidence, the clinical significance of this alteration remains unclear.

NM_019848.5(SLC10A3):c.256A>G (p.Ile86Val)

Gene: SLC10A3 (solute carrier family 10 member 3; minus strand). Cytogenetic location: Xq28.
Variant type: single nucleotide variant.
Coding change: c.256A>G on transcript NM_019848.5 (MANE Select); coding-DNA position 256, A replaced by G.
Protein change: p.Ile86Val; replaces isoleucine 86 with valine.
Molecular consequence: missense variant.
Genome position (GRCh38, 1-based): chrX:154,488,685, T>C on the plus strand (A>G on the coding strand, the complement: SLC10A3 is on the minus strand). VCF-style: chrX-154488685-T-C. GRCh37 (hg19) VCF-style: chrX-153717024-T-C.
Other names: c.256A>G, p.Ile86Val (NM_001142391.3, NM_001142392.3); short protein forms I86V.
Identifiers: ClinVar variation 4864546 (VCV004864546.1).
Genomic context (GRCh38, chrX:154,488,685, plus strand): 5'-TGAGCATGGGGCCAGGCGCCGTCCTGTTGGCCTGGCCTGGGTACTGGCTGGAGATCACGA[T>C]GATGCCCTCACTGTCCTCAGGAAACTCAAACTCCATCACAGAGCCATCTCCAATGCTCAA-3'
Protein context (NP_062822.1, residues 76-96): FEFPEDSEGI[Ile86Val]VISSQYPGQA